The following is an entry in ClinVar:

ClinVar aggregate classification (germline): Uncertain significance (1 of 4 stars; one submission).

Submission:

ISCA site 4
Classification: Uncertain significance. Last evaluated: 2011-08-12. Review status: criteria provided, single submitter. Criteria: Kaminsky et al. (Genet Med. 2011). Collection method: clinical testing. Allele origin: unknown. Affected: yes. Observed: 1 variant allele.
Comment: Copy number variation identified through the course of routine clinical cytogenomic testing in postnatal populations. Clinical assertions have been curated as described in Kaminsky et al. 2011.

GRCh38/hg38 1p13.2(chr1:112687324-113216458)x3

Genes: LINC01356 (long intergenic non-protein coding RNA 1356; minus strand), LINC01357 (long intergenic non-protein coding RNA 1357; plus strand), LRIG2 (leucine rich repeats and immunoglobulin like domains 2; plus strand), LRIG2-DT (LRIG2 divergent transcript; minus strand), MIR11399 (microRNA 11399; plus strand) and 29 more. Cytogenetic location: 1p13.2.
Variant type: copy number gain.
Change: copy number 3 (three copies instead of two) of chr1:112,687,324-113,216,458 (529.1 kb, GRCh38 coordinates, 1-based), cytogenetic band 1p13.2.
Identifiers: ClinVar variation 57014 (VCV000057014.1).